The following is an entry in ClinVar:

NM_021728.4(OTX2):c.546_553del (p.Tyr183fs)

Gene: OTX2 (orthodenticle homeobox 2; minus strand). Cytogenetic location: 14q22.3.
Variant type: Deletion.
Coding change: c.546_553del on transcript NM_021728.4 (MANE Select); coding-DNA positions 546 to 553, 8 bases deleted (CTATCCCA; older notation c.546_553delCTATCCCA).
Protein change: p.Tyr183fs; shifts the reading frame from tyrosine 183.
Molecular consequence: frameshift variant. On other transcripts: non-coding transcript variant (2).
Genome position (GRCh38, 1-based): chr14:56,802,076-56,802,083, TGGGATAG deleted on the plus strand (CTATCCCA on the coding strand, the reverse complement: OTX2 is on the minus strand). VCF-style (leftmost placement, unchanged base first): chr14-56802075-ATGGGATAG-A. GRCh37 (hg19) VCF-style: chr14-57268793-ATGGGATAG-A.
Other names: c.522_529del, p.Tyr175fs (NM_001270523.2, NM_001270524.2, NM_172337.3); c.546_553del, p.Tyr183fs (NM_001270525.2); short protein forms Y183fs, Y175fs.
Identifiers: ClinVar variation 1456134 (VCV001456134.8), dbSNP rs2139528560, ClinGen allele CA2573149977.

ClinVar aggregate classification (germline): Pathogenic (1 of 4 stars; one submission).

Conditions:
Anophthalmia-microphthalmia syndrome. Also called: Anophthalmia/Microphthalmia; Anophthalmia - microphthalmia. Identifiers: Orphanet 98555, MedGen C5680330, MONDO:0020147.

Submission:

Labcorp Genetics (formerly Invitae), Labcorp
Classification: Pathogenic for Anophthalmia-microphthalmia syndrome. Last evaluated: 2021-03-19. Review status: criteria provided, single submitter. Criteria: Invitae Variant Classification Sherloc (09022015). Collection method: clinical testing. Allele origin: germline.
Comment: For these reasons, this variant has been classified as Pathogenic. This variant disrupts the C-terminus of the OTX2 protein. Other variant(s) that disrupt this region (p.Ser203*) have been determined to be pathogenic (Invitae). This suggests that variants that disrupt this region of the protein are likely to be causative of disease. This variant has not been reported in the literature in individuals with OTX2-related conditions. This variant is not present in population databases (ExAC no frequency). This sequence change creates a premature translational stop signal (p.Tyr175Aspfs*9) in the OTX2 gene. While this is not anticipated to result in nonsense mediated decay, it is expected to disrupt the last 115 amino acid(s) of the OTX2 protein.